The following is an entry in ClinVar:

NM_002076.4(GNS):c.1166C>T (p.Thr389Ile)

Gene: GNS (glucosamine (N-acetyl)-6-sulfatase; minus strand). Cytogenetic location: 12q14.3.
Variant type: single nucleotide variant.
Coding change: c.1166C>T on transcript NM_002076.4 (MANE Select); coding-DNA position 1166, C replaced by T.
Protein change: p.Thr389Ile; replaces threonine 389 with isoleucine.
Molecular consequence: missense variant.
Genome position (GRCh38, 1-based): chr12:64,728,990, G>A on the plus strand (C>T on the coding strand, the complement: GNS is on the minus strand). VCF-style: chr12-64728990-G-A. GRCh37 (hg19) VCF-style: chr12-65122770-G-A.
Other names: c.1166C>T (NM_002076.3); short protein forms T389I.
Identifiers: ClinVar variation 1519948 (VCV001519948.9), dbSNP rs944030718, ClinGen allele CA238279746.

ClinVar aggregate classification (germline): Uncertain significance. Review status: criteria provided, multiple submitters, no conflicts (2 of 4 stars). 2 submissions from 2 submitters: Uncertain significance (2). Last evaluated 2025-01-01.

Conditions:
Mucopolysaccharidosis, MPS-III-D (MPS3D). Also called: N-ACETYLGLUCOSAMINE-6-SULFATASE DEFICIENCY; SANFILIPPO SYNDROME D; MPS III D; Mucopoly-saccharidosis type 3D; N-acetylglucosamine-6-sulfate sulfatase deficiency; MPS 3D. Identifiers: Orphanet 581, Orphanet 79272, MedGen C0086650, MONDO:0009658, OMIM 252940.
Inborn genetic diseases. Identifiers: MedGen C0950123, MeSH D030342.

Allele frequency attached by ClinVar (database versions not stated): gnomAD exomes below 0.00001; TOPMed below 0.00001.
gnomAD v4.1: 3 of 1,594,116 alleles (0.00019%); highest among the groups gnomAD compares: Non-Finnish European, 0.00026%; no homozygotes.

Submissions (2):

Ambry Genetics
Classification: Uncertain significance for Inborn genetic diseases. Last evaluated: 2025-01-01. Review status: criteria provided, single submitter. Criteria: Ambry Variant Classification Scheme 2023. Collection method: clinical testing. Allele origin: germline.

Labcorp Genetics (formerly Invitae), Labcorp
Classification: Uncertain significance for Mucopolysaccharidosis, MPS-III-D. Last evaluated: 2022-05-31. Review status: criteria provided, single submitter. Criteria: Invitae Variant Classification Sherloc (09022015). Collection method: clinical testing. Allele origin: germline.
Comment: This sequence change replaces threonine, which is neutral and polar, with isoleucine, which is neutral and non-polar, at codon 389 of the GNS protein (p.Thr389Ile). This variant is present in population databases (no rsID available, gnomAD 0.0009%). This variant has not been reported in the literature in individuals affected with GNS-related conditions. ClinVar contains an entry for this variant (Variation ID: 1519948). Algorithms developed to predict the effect of missense changes on protein structure and function are either unavailable or do not agree on the potential impact of this missense change (SIFT: "Deleterious"; PolyPhen-2: "Benign"; Align-GVGD: "Class C15"). In summary, the available evidence is currently insufficient to determine the role of this variant in disease. Therefore, it has been classified as a Variant of Uncertain Significance.